The following is an entry in ClinVar:

NM_144997.7(FLCN):c.249+5G>T

Gene: FLCN (folliculin; minus strand). Cytogenetic location: 17p11.2.
Variant type: single nucleotide variant.
Coding change: c.249+5G>T on transcript NM_144997.7 (MANE Select); 5 bases into the intron after coding-DNA position 249, G replaced by T.
Molecular consequence: intron variant.
Genome position (GRCh38, 1-based): chr17:17,227,884, C>A on the plus strand (G>T on the coding strand, the complement: FLCN is on the minus strand). VCF-style: chr17-17227884-C-A. GRCh37 (hg19) VCF-style: chr17-17131198-C-A.
Other names: c.249+5G>T (NM_001353231.2, NM_001353230.2, NM_001353229.2 and 1 more transcripts).
Identifiers: ClinVar variation 4749289 (VCV004749289.1).

ClinVar aggregate classification (germline): Uncertain significance (1 of 4 stars; one submission).

Conditions:
Birt-Hogg-Dube syndrome. Also called: Birt Hogg Dubé syndrome. Identifiers: Orphanet 122, MedGen C0346010, MONDO:0800444.

Submission:

Labcorp Genetics (formerly Invitae), Labcorp
Classification: Uncertain significance for Birt-Hogg-Dube syndrome. Last evaluated: 2025-08-18. Review status: criteria provided, single submitter. Criteria: Invitae Variant Classification Sherloc (09022015). Collection method: clinical testing. Allele origin: germline.
Comment: This sequence change falls in intron 4 of the FLCN gene. It does not directly change the encoded amino acid sequence of the FLCN protein. It affects a nucleotide within the consensus splice site. This variant is not present in population databases (gnomAD no frequency). This variant has not been reported in the literature in individuals affected with FLCN-related conditions. Variants that disrupt the consensus splice site are a relatively common cause of aberrant splicing (PMID: 17576681, 9536098). Algorithms developed to predict the effect of sequence changes on RNA splicing suggest that this variant may disrupt the consensus splice site. In summary, the available evidence is currently insufficient to determine the role of this variant in disease. Therefore, it has been classified as a Variant of Uncertain Significance.

Literature cited by the submitters: PubMed 17576681; PubMed 9536098.